The following is an entry in ClinVar:

NM_017534.6(MYH2):c.127C>A (p.Pro43Thr)

Genes: MYH2 (myosin heavy chain 2; minus strand), MYHAS (myosin heavy chain gene cluster antisense RNA; plus strand). Cytogenetic location: 17p13.1.
Variant type: single nucleotide variant.
Coding change: c.127C>A on transcript NM_017534.6 (MANE Select); coding-DNA position 127, C replaced by A.
Protein change: p.Pro43Thr; replaces proline 43 with threonine.
Molecular consequence: missense variant.
Genome position (GRCh38, 1-based): chr17:10,547,794, G>T on the plus strand (C>A on the coding strand, the complement: MYH2 is on the minus strand). VCF-style: chr17-10547794-G-T. GRCh37 (hg19) VCF-style: chr17-10451111-G-T.
Other names: c.127C>A, p.Pro43Thr (NM_001100112.2); short protein forms P43T.
Identifiers: ClinVar variation 4739215 (VCV004739215.1).

ClinVar aggregate classification (germline): Uncertain significance (1 of 4 stars; one submission).

Conditions:
Myopathy, proximal, and ophthalmoplegia (CMYO6). Also called: INCLUSION BODY MYOPATHY 3, AUTOSOMAL DOMINANT; CONGENITAL MYOPATHY 6 WITH OPHTHALMOPLEGIA; MYOPATHY WITH CONGENITAL JOINT CONTRACTURES, OPHTHALMOPLEGIA, AND RIMMED VACUOLES. Identifiers: Orphanet 363677, Orphanet 79091, MedGen C1854106, MONDO:0011577, OMIM 605637.

gnomAD v4.1: 1 of 1,614,090 alleles (0.000062%); highest among the groups gnomAD compares: Non-Finnish European, 0.000085%; no homozygotes.

Submission:

Labcorp Genetics (formerly Invitae), Labcorp
Classification: Uncertain significance for Myopathy, proximal, and ophthalmoplegia. Last evaluated: 2025-05-06. Review status: criteria provided, single submitter. Criteria: Invitae Variant Classification Sherloc (09022015). Collection method: clinical testing. Allele origin: germline.
Comment: This sequence change replaces proline, which is neutral and non-polar, with threonine, which is neutral and polar, at codon 43 of the MYH2 protein (p.Pro43Thr). This variant is not present in population databases (gnomAD no frequency). This variant has not been reported in the literature in individuals affected with MYH2-related conditions. Invitae Evidence Modeling of protein sequence and biophysical properties (such as structural, functional, and spatial information, amino acid conservation, physicochemical variation, residue mobility, and thermodynamic stability) indicates that this missense variant is not expected to disrupt MYH2 protein function with a negative predictive value of 80%. In summary, the available evidence is currently insufficient to determine the role of this variant in disease. Therefore, it has been classified as a Variant of Uncertain Significance.